The following is an entry in ClinVar:

NM_032043.3(BRIP1):c.628-15T>C

Gene: BRIP1 (BRCA1 interacting DNA helicase 1; minus strand). Cytogenetic location: 17q23.2.
Variant type: single nucleotide variant.
Coding change: c.628-15T>C on transcript NM_032043.3 (MANE Select); 15 bases into the intron before coding-DNA position 628, T replaced by C.
Molecular consequence: intron variant.
Genome position (GRCh38, 1-based): chr17:61,808,772, A>G on the plus strand (T>C on the coding strand, the complement: BRIP1 is on the minus strand). VCF-style: chr17-61808772-A-G. GRCh37 (hg19) VCF-style: chr17-59886133-A-G.
Identifiers: ClinVar variation 2946792 (VCV002946792.4), dbSNP rs2545201636, ClinGen allele CA2639156924.

ClinVar aggregate classification (germline): Likely benign. Review status: criteria provided, multiple submitters, no conflicts (2 of 4 stars). 2 submissions from 2 submitters: Likely benign (2). Last evaluated 2025-07-21.

Conditions:
Familial cancer of breast. Also called: BREAST CANCER, FAMILIAL; Hereditary breast cancer; hereditary breast carcinoma. Identifiers: Orphanet 227535, MedGen C0346153, MONDO:0016419, OMIM 114480. Disease mechanism: loss of function.
Fanconi anemia complementation group J. Also called: BRIP1-Related Fanconi Anemia. Identifiers: Orphanet 84, MedGen C1836860, MONDO:0012187, OMIM 609054.

Allele frequency attached by ClinVar (database versions not stated): gnomAD exomes below 0.00001.
gnomAD v4.1: 1 of 1,608,898 alleles (0.000062%); highest among the groups gnomAD compares: Non-Finnish European, 0.000085%; no homozygotes.

Submissions (2):

Labcorp Genetics (formerly Invitae), Labcorp
Classification: Likely benign for Familial cancer of breast; Fanconi anemia complementation group J. Last evaluated: 2025-07-21. Review status: criteria provided, single submitter. Criteria: Invitae Variant Classification Sherloc (09022015). Collection method: clinical testing. Allele origin: germline.

Myriad Genetics, Inc.
Classification: Likely benign for Familial cancer of breast. Last evaluated: 2024-08-21. Review status: criteria provided, single submitter. Criteria: Myriad Autosomal Dominant, Autosomal Recessive and X-Linked Classification Criteria (2023). Collection method: clinical testing. Allele origin: unknown.
Comment: This variant is considered likely benign. This variant is intronic and is not expected to impact mRNA splicing.